The following is an entry in ClinVar:

NM_152703.5(SAMD9L):c.52C>T (p.His18Tyr)

Gene: SAMD9L (sterile alpha motif domain containing 9 like; minus strand). Cytogenetic location: 7q21.2.
Variant type: single nucleotide variant.
Coding change: c.52C>T on transcript NM_152703.5 (MANE Select); coding-DNA position 52, C replaced by T.
Protein change: p.His18Tyr; replaces histidine 18 with tyrosine.
Molecular consequence: missense variant.
Genome position (GRCh38, 1-based): chr7:93,135,920, G>A on the plus strand (C>T on the coding strand, the complement: SAMD9L is on the minus strand). VCF-style: chr7-93135920-G-A. GRCh37 (hg19) VCF-style: chr7-92765233-G-A.
Other names: c.52C>T, p.His18Tyr (NM_001303496.3, NM_001303497.3, NM_001303498.3 and 5 more transcripts); short protein forms H18Y.
Identifiers: ClinVar variation 3792302 (VCV003792302.1).

ClinVar aggregate classification (germline): Uncertain significance (1 of 4 stars; one submission).

Conditions:
Inborn genetic diseases. Identifiers: MedGen C0950123, MeSH D030342.

Submission:

Ambry Genetics
Classification: Uncertain significance for Inborn genetic diseases. Last evaluated: 2025-01-11. Review status: criteria provided, single submitter. Criteria: Ambry Variant Classification Scheme 2023. Collection method: clinical testing. Allele origin: germline.
Comment: The p.H18Y variant (also known as c.52C>T), located in coding exon 1 of the SAMD9L gene, results from a C to T substitution at nucleotide position 52. The histidine at codon 18 is replaced by tyrosine, an amino acid with similar properties. This amino acid position is conserved. In addition, this alteration is predicted to be tolerated by in silico analysis. Based on the available evidence, the clinical significance of this variant remains unclear.